The following is an entry in ClinVar:

NM_001080449.3(DNA2):c.2101C>G (p.Gln701Glu)

Gene: DNA2 (DNA replication helicase/nuclease 2; minus strand). Cytogenetic location: 10q21.3.
Variant type: single nucleotide variant.
Coding change: c.2101C>G on transcript NM_001080449.3 (MANE Select); coding-DNA position 2101, C replaced by G.
Protein change: p.Gln701Glu; replaces glutamine 701 with glutamic acid.
Molecular consequence: missense variant.
Genome position (GRCh38, 1-based): chr10:68,430,543, G>C on the plus strand (C>G on the coding strand, the complement: DNA2 is on the minus strand). VCF-style: chr10-68430543-G-C. GRCh37 (hg19) VCF-style: chr10-70190300-G-C.
Other names: c.2101C>G (NM_001080449.2); short protein forms Q701E.
Identifiers: ClinVar variation 2181420 (VCV002181420.6), dbSNP rs774205067, ClinGen allele CA5524896.

ClinVar aggregate classification (germline): Uncertain significance. Review status: criteria provided, multiple submitters, no conflicts (2 of 4 stars). 2 submissions from 2 submitters: Uncertain significance (2). Last evaluated 2025-08-07.

Conditions:
Inborn genetic diseases. Identifiers: MedGen C0950123, MeSH D030342.

Allele frequency attached by ClinVar (database versions not stated): gnomAD exomes 0.00001; ExAC 0.00005.

Submissions (3):

Ambry Genetics
Classification: Uncertain significance for Inborn genetic diseases. Last evaluated: 2025-08-07. Review status: criteria provided, single submitter. Criteria: Ambry Variant Classification Scheme 2023. Collection method: clinical testing. Allele origin: germline.

Labcorp Genetics (formerly Invitae), Labcorp
Classification: Uncertain significance. Last evaluated: 2025-04-23. Review status: criteria provided, single submitter. Criteria: Invitae Variant Classification Sherloc (09022015). Collection method: clinical testing. Allele origin: germline.
Comment: This sequence change replaces glutamine, which is neutral and polar, with glutamic acid, which is acidic and polar, at codon 701 of the DNA2 protein (p.Gln701Glu). This variant is present in population databases (rs774205067, gnomAD 0.01%). This variant has not been reported in the literature in individuals affected with DNA2-related conditions. ClinVar contains an entry for this variant (Variation ID: 2181420). Invitae Evidence Modeling of protein sequence and biophysical properties (such as structural, functional, and spatial information, amino acid conservation, physicochemical variation, residue mobility, and thermodynamic stability) indicates that this missense variant is not expected to disrupt DNA2 protein function with a negative predictive value of 80%. In summary, the available evidence is currently insufficient to determine the role of this variant in disease. Therefore, it has been classified as a Variant of Uncertain Significance.

Dr. Peter K. Rogan Lab, Western University
No classification provided (evidence only). Condition: Familial cancer of breast. Review status: no classification provided. Collection method: in vitro. Allele origin: not applicable. Functional consequence: retained intron. Not counted in ClinVar's aggregate classification.